The following is an entry in ClinVar:

ClinVar aggregate classification (germline): Pathogenic/Likely pathogenic. Review status: criteria provided, multiple submitters, no conflicts (2 of 4 stars). 3 submissions from 3 submitters: Pathogenic (1); Likely pathogenic (2). Last evaluated 2024-03-17.

Conditions:
Hyperlipoproteinemia, type 1D. Also called: Hyperlipoproteinemia, type ID. Identifiers: Orphanet 444490, Orphanet 535458, MedGen C4014767, MONDO:0014412, OMIM 615947.

gnomAD v4.1: 1 of 1,612,998 alleles (0.000062%); highest among the groups gnomAD compares: East Asian, 0.0022%; no homozygotes.

Submissions (3):

Genomic Medicine Center of Excellence, King Faisal Specialist Hospital and Research Centre
Classification: Pathogenic for Hyperlipoproteinemia, type 1D. Last evaluated: 2024-03-17. Review status: criteria provided, single submitter. Criteria: ACMG Guidelines, 2015. Collection method: research. Allele origin: germline.

Labcorp Genetics (formerly Invitae), Labcorp
Classification: Likely pathogenic. Last evaluated: 2023-08-23. Review status: criteria provided, single submitter. Criteria: Invitae Variant Classification Sherloc (09022015). Collection method: clinical testing. Allele origin: germline.
Comment: This variant is not present in population databases (gnomAD no frequency). This sequence change replaces threonine, which is neutral and polar, with arginine, which is basic and polar, at codon 108 of the GPIHBP1 protein (p.Thr108Arg). This missense change has been observed in individuals with GPIHBP1-related conditions (PMID: 22239554, 30352774; Invitae). In summary, the currently available evidence indicates that the variant is pathogenic, but additional data are needed to prove that conclusively. Therefore, this variant has been classified as Likely Pathogenic. Algorithms developed to predict the effect of sequence changes on RNA splicing suggest that this variant may disrupt the consensus splice site. Experimental studies have shown that this missense change affects GPIHBP1 function (PMID: 25387803). An algorithm developed to predict the effect of missense changes on protein structure and function (PolyPhen-2) suggests that this variant is likely to be tolerated. ClinVar contains an entry for this variant (Variation ID: 1031306).

Baylor Genetics
Classification: Likely pathogenic for Hyperlipoproteinemia, type 1D. Review status: criteria provided, single submitter. Criteria: ACMG Guidelines, 2015. Collection method: clinical testing. Allele origin: unknown.

Literature cited by the submitters: PubMed 22239554 (cited by Labcorp Genetics (formerly Invitae), Labcorp); PubMed 30352774 (cited by Labcorp Genetics (formerly Invitae), Labcorp); PubMed 25387803 (cited by Labcorp Genetics (formerly Invitae), Labcorp).

NM_178172.6(GPIHBP1):c.323C>G (p.Thr108Arg)

Gene: GPIHBP1 (glycosylphosphatidylinositol anchored high density lipoprotein binding protein 1; plus strand). Cytogenetic location: 8q24.3.
Variant type: single nucleotide variant.
Coding change: c.323C>G on transcript NM_178172.6 (MANE Select); coding-DNA position 323, C replaced by G.
Protein change: p.Thr108Arg; replaces threonine 108 with arginine.
Molecular consequence: missense variant.
Genome position (GRCh38, 1-based): chr8:143,215,286, C>G. VCF-style: chr8-143215286-C-G. GRCh37 (hg19) VCF-style: chr8-144297161-C-G.
Other names: c.323C>G, p.Thr108Arg (NM_001301772.2); short protein forms T108R.
Identifiers: ClinVar variation 1031306 (VCV001031306.9), dbSNP rs752728823, ClinGen allele CA372402243.
Genomic context (GRCh38, chr8:143,215,286, plus strand): 5'-TCCTCAGCACTTGTTCCCCACTCCCCTTCCCAGAGTCAGGCCTCCTGACCACCCACTCCA[C>G]GTGGTGCACAGACAGCTGCCAGCCCATCACCAAGACGGTGGAGGGGACCCAGGTGACCAT-3'
Protein context (NP_835466.2, residues 98-118): TESGLLTTHS[Thr108Arg]WCTDSCQPIT